The following is an entry in ClinVar:

NM_138409.4(MRAP2):c.197T>C (p.Leu66Ser)

Gene: MRAP2 (melanocortin 2 receptor accessory protein 2; plus strand). Cytogenetic location: 6q14.2.
Variant type: single nucleotide variant.
Coding change: c.197T>C on transcript NM_138409.4 (MANE Select); coding-DNA position 197, T replaced by C.
Protein change: p.Leu66Ser; replaces leucine 66 with serine.
Molecular consequence: missense variant. On other transcripts: 5 prime UTR variant (1), intron variant (1).
Genome position (GRCh38, 1-based): chr6:84,062,962, T>C. VCF-style: chr6-84062962-T-C. GRCh37 (hg19) VCF-style: chr6-84772681-T-C.
Other names: c.197T>C, p.Leu66Ser (NM_001346542.2, NM_001346544.2); c.-63T>C (NM_001346543.2); c.-32+7517T>C (NM_001346541.2); short protein forms L66S.
Identifiers: ClinVar variation 4703211 (VCV004703211.1).

ClinVar aggregate classification (germline): Uncertain significance (1 of 4 stars; one submission).

gnomAD v4.1: 8 of 1,614,186 alleles (0.0005%); highest among the groups gnomAD compares: Non-Finnish European, 0.00025%; no homozygotes.

Submission:

Labcorp Genetics (formerly Invitae), Labcorp
Classification: Uncertain significance. Last evaluated: 2025-12-27. Review status: criteria provided, single submitter. Criteria: Invitae Variant Classification Sherloc (09022015). Collection method: clinical testing. Allele origin: germline.
Comment: This sequence change replaces leucine, which is neutral and non-polar, with serine, which is neutral and polar, at codon 66 of the MRAP2 protein (p.Leu66Ser). This variant is present in population databases (rs781490154, gnomAD 0.004%). This variant has not been reported in the literature in individuals affected with MRAP2-related conditions. An algorithm developed to predict the effect of missense changes on protein structure and function (PolyPhen-2) suggests that this variant is likely to be disruptive. In summary, the available evidence is currently insufficient to determine the role of this variant in disease. Therefore, it has been classified as a Variant of Uncertain Significance.